The following is an entry in ClinVar:

ClinVar aggregate classification (germline): Uncertain significance (1 of 4 stars; one submission).

Conditions:
Neurodevelopmental disorder with cerebellar atrophy and with or without seizures. Identifiers: MedGen C4748032, MONDO:0020841, OMIM 618056.

Submission:

Institute of Immunology and Genetics Kaiserslautern
Classification: Uncertain significance for Neurodevelopmental disorder with cerebellar atrophy and with or without seizures. Last evaluated: 2025-11-24. Review status: criteria provided, single submitter. Criteria: ACMG Guidelines, 2015. Collection method: clinical testing. Allele origin: germline. Affected: yes.
Comment: ACMG Criteria: PM2_P; Variant was found in homozygous state.

NM_152743.4(BRAT1):c.1552G>A (p.Asp518Asn)

Gene: BRAT1 (BRCA1 associated ATM activator 1; minus strand). Cytogenetic location: 7p22.3.
Variant type: single nucleotide variant.
Coding change: c.1552G>A on transcript NM_152743.4 (MANE Select); coding-DNA position 1552, G replaced by A.
Protein change: p.Asp518Asn; replaces aspartic acid 518 with asparagine.
Molecular consequence: missense variant. On other transcripts: non-coding transcript variant (1).
Genome position (GRCh38, 1-based): chr7:2,539,589, C>T on the plus strand (G>A on the coding strand, the complement: BRAT1 is on the minus strand). VCF-style: chr7-2539589-C-T. GRCh37 (hg19) VCF-style: chr7-2579223-C-T.
Other names: c.1552G>A, p.Asp518Asn (NM_001350626.2); c.1027G>A, p.Asp343Asn (NM_001350627.2); short protein forms D343N, D518N.
Identifiers: ClinVar variation 4851445 (VCV004851445.1).